The following is an entry in ClinVar:

NM_002439.5(MSH3):c.1158T>C (p.Ile386=)

Gene: MSH3 (mutS homolog 3; plus strand). Cytogenetic location: 5q14.1.
Variant type: single nucleotide variant.
Coding change: c.1158T>C on transcript NM_002439.5 (MANE Select); coding-DNA position 1158, T replaced by C.
Protein change: p.Ile386=; no amino-acid change (isoleucine 386 retained).
Molecular consequence: synonymous variant.
Genome position (GRCh38, 1-based): chr5:80,675,113, T>C. VCF-style: chr5-80675113-T-C. GRCh37 (hg19) VCF-style: chr5-79970932-T-C.
Identifiers: ClinVar variation 2813099 (VCV002813099.3), dbSNP rs2546724428, ClinGen allele CA445159919.

ClinVar aggregate classification (germline): Uncertain significance (1 of 4 stars; one submission).

Submission:

Labcorp Genetics (formerly Invitae), Labcorp
Classification: Uncertain significance. Last evaluated: 2022-11-09. Review status: criteria provided, single submitter. Criteria: Invitae Variant Classification Sherloc (09022015). Collection method: clinical testing. Allele origin: germline.
Comment: This variant has not been reported in the literature in individuals affected with MSH3-related conditions. This variant is not present in population databases (gnomAD no frequency). This sequence change affects codon 386 of the MSH3 mRNA. It is a 'silent' change, meaning that it does not change the encoded amino acid sequence of the MSH3 protein. Algorithms developed to predict the effect of sequence changes on RNA splicing suggest that this variant may create or strengthen a splice site. In summary, the available evidence is currently insufficient to determine the role of this variant in disease. Therefore, it has been classified as a Variant of Uncertain Significance.